The following is an entry in ClinVar:

ClinVar aggregate classification (germline): Uncertain significance (1 of 4 stars; one submission).

gnomAD v4.1: 9 of 1,528,080 alleles (0.00059%); highest among the groups gnomAD compares: South Asian, 0.0012%; no homozygotes.

Submission:

GeneDx
Classification: Uncertain significance. Last evaluated: 2025-07-18. Review status: criteria provided, single submitter. Criteria: GeneDx Variant Classification Process June 2021. Collection method: clinical testing. Allele origin: germline. Affected: yes.
Comment: Not observed at significant frequency in large population cohorts (gnomAD); In silico analysis supports that this missense variant has a deleterious effect on protein structure/function; Has not been previously published as pathogenic or benign to our knowledge

NM_001142864.4(PIEZO1):c.4328C>T (p.Ala1443Val)

Gene: PIEZO1 (piezo type mechanosensitive ion channel component 1 (Er blood group); minus strand). Cytogenetic location: 16q24.3.
Variant type: single nucleotide variant.
Coding change: c.4328C>T on transcript NM_001142864.4 (MANE Select); coding-DNA position 4328, C replaced by T.
Protein change: p.Ala1443Val; replaces alanine 1443 with valine.
Molecular consequence: missense variant.
Genome position (GRCh38, 1-based): chr16:88,723,878, G>A on the plus strand (C>T on the coding strand, the complement: PIEZO1 is on the minus strand). VCF-style: chr16-88723878-G-A. GRCh37 (hg19) VCF-style: chr16-88790286-G-A.
Other names: short protein forms A1443V.
Identifiers: ClinVar variation 4686286 (VCV004686286.1).